The following is an entry in ClinVar:

ClinVar aggregate classification (germline): Likely benign. Review status: criteria provided, multiple submitters, no conflicts (2 of 4 stars). 2 submissions from 2 submitters: Likely benign (2). Last evaluated 2026-06-04.

Conditions:
VPS33B-related disorder. Also called: VPS33B-related condition.

Submissions (2):

PreventionGenetics, part of Exact Sciences
Classification: Likely benign for VPS33B-related condition. Last evaluated: 2026-06-04. Review status: criteria provided, single submitter. Criteria: ACMG Guidelines, 2015. Collection method: clinical testing. Allele origin: germline.
Comment: This variant is classified as likely benign based on ACMG/AMP sequence variant interpretation guidelines (Richards et al. 2015 PMID: 25741868, with internal and published modifications).

Labcorp Genetics (formerly Invitae), Labcorp
Classification: Likely benign. Last evaluated: 2024-05-22. Review status: criteria provided, single submitter. Criteria: Invitae Variant Classification Sherloc (09022015). Collection method: clinical testing. Allele origin: germline.

NM_018668.5(VPS33B):c.1176G>A (p.Ser392=)

Gene: VPS33B (VPS33B late endosome and lysosome associated; minus strand). Cytogenetic location: 15q26.1.
Variant type: single nucleotide variant.
Coding change: c.1176G>A on transcript NM_018668.5 (MANE Select); coding-DNA position 1176, G replaced by A.
Protein change: p.Ser392=; no amino-acid change (serine 392 retained).
Molecular consequence: synonymous variant.
Genome position (GRCh38, 1-based): chr15:91,004,926, C>T on the plus strand (G>A on the coding strand, the complement: VPS33B is on the minus strand). VCF-style: chr15-91004926-C-T. GRCh37 (hg19) VCF-style: chr15-91548156-C-T.
Other names: c.1095G>A, p.Ser365= (NM_001289148.1); c.903G>A, p.Ser301= (NM_001289149.1).
Identifiers: ClinVar variation 3618690 (VCV003618690.3).